The following is an entry in ClinVar:

NM_017763.6(RNF43):c.809_810del (p.Pro270fs)

Gene: RNF43 (ring finger protein 43; minus strand). Cytogenetic location: 17q22.
Variant type: Deletion.
Coding change: c.809_810del on transcript NM_017763.6 (MANE Select); coding-DNA positions 809 to 810, 2 bases deleted (CT; older notation c.809_810delCT).
Protein change: p.Pro270fs; shifts the reading frame from proline 270.
Molecular consequence: frameshift variant.
Genome position (GRCh38, 1-based): chr17:58,360,822-58,360,823, AG deleted on the plus strand (CT on the coding strand, the reverse complement: RNF43 is on the minus strand). VCF-style (leftmost placement, unchanged base first): chr17-58360821-CAG-C. GRCh37 (hg19) VCF-style: chr17-56438182-CAG-C.
Other names: c.809_810delCT (NM_017763.4); c.809_810delCT, p.Pro270Argfs (NM_001305544.3, NM_017763.5); c.428_429delCT, p.Pro143Argfs (NM_001305545.2); short protein forms P270fs, P143fs.
Identifiers: ClinVar variation 943864 (VCV000943864.11), dbSNP rs1567875446, ClinGen allele CA627143930.

ClinVar aggregate classification (germline): Conflicting classifications of pathogenicity. Review status: criteria provided, conflicting classifications (1 of 4 stars). 3 submissions from 3 submitters: Pathogenic (1); Uncertain significance (2). Last evaluated 2026-03-31.

Conditions:
Sessile serrated polyposis cancer syndrome (SSPCS). Identifiers: Orphanet 157798, MedGen C4310714, MONDO:0014919, OMIM 617108.

Allele frequency attached by ClinVar (database versions not stated): gnomAD exomes below 0.00001.

Submissions (3):

Ambry Genetics
Classification: Uncertain significance. Last evaluated: 2026-03-31. Review status: criteria provided, single submitter. Criteria: Ambry Variant Classification Scheme 2023. Collection method: clinical testing. Allele origin: germline.
Comment: The c.809_810delCT variant, located in coding exon 6 of the RNF43 gene, results from a deletion of two nucleotides at nucleotide positions 809 to 810, causing a translational frameshift with a predicted alternate stop codon (p.P270Rfs*11). The evidence for this gene-disease relationship is limited; therefore, the clinical significance of this variant is unclear.

Myriad Genetics, Inc.
Classification: Pathogenic for Sessile serrated polyposis cancer syndrome. Last evaluated: 2025-12-15. Review status: criteria provided, single submitter. Criteria: Myriad Autosomal Dominant, Autosomal Recessive and X-Linked Classification Criteria (2023). Collection method: clinical testing. Allele origin: unknown.
Comment: This variant is considered pathogenic. This variant creates a frameshift predicted to result in premature protein truncation.

Labcorp Genetics (formerly Invitae), Labcorp
Classification: Uncertain significance. Last evaluated: 2023-11-17. Review status: criteria provided, single submitter. Criteria: Invitae Variant Classification Sherloc (09022015). Collection method: clinical testing. Allele origin: germline.
Comment: This sequence change creates a premature translational stop signal (p.Pro270Argfs*11) in the RNF43 gene. It is expected to result in an absent or disrupted protein product. However, the current clinical and genetic evidence is not sufficient to establish whether loss-of-function variants in RNF43 cause disease. This variant is present in population databases (no rsID available, gnomAD 0.0009%). This premature translational stop signal has been observed in individual(s) with colorectal cancer (Invitae). ClinVar contains an entry for this variant (Variation ID: 943864). In summary, the available evidence is currently insufficient to determine the role of this variant in disease. Therefore, it has been classified as a Variant of Uncertain Significance.